The following is an entry in ClinVar:

NM_001005373.4(LRSAM1):c.904-2A>G

Gene: LRSAM1 (leucine rich repeat and sterile alpha motif containing 1; plus strand). Cytogenetic location: 9q33.3.
Variant type: single nucleotide variant.
Coding change: c.904-2A>G on transcript NM_001005373.4 (MANE Select); the canonical splice acceptor site of the intron before coding-DNA position 904, A replaced by G.
Molecular consequence: splice acceptor variant.
Genome position (GRCh38, 1-based): chr9:127,479,837, A>G. VCF-style: chr9-127479837-A-G. GRCh37 (hg19) VCF-style: chr9-130242116-A-G.
Other names: c.904-2A>G (NM_138361.5, NM_001384142.1, NM_001384143.1 and 2 more transcripts); c.115-2A>G (NM_001384144.1).
Identifiers: ClinVar variation 917120 (VCV000917120.6), dbSNP rs1171946884, ClinGen allele CA374931354.

ClinVar aggregate classification (germline): Likely pathogenic. Review status: criteria provided, multiple submitters, no conflicts (2 of 4 stars). 2 submissions from 2 submitters: Likely pathogenic (2). Last evaluated 2024-04-10.

Conditions:
Charcot-Marie-Tooth disease axonal type 2P. Also called: Charcot-Marie-Tooth Neuropathy Type 2G; CHARCOT-MARIE-TOOTH NEUROPATHY, TYPE 2P; CHARCOT-MARIE-TOOTH DISEASE, AXONAL, TYPE 2G; CMT 2G. Identifiers: Orphanet 300319, Orphanet 99941, MedGen C3280797, MONDO:0013753, OMIM 614436.
Charcot-Marie-Tooth disease. Also called: Charcot-Marie-Tooth Hereditary Neuropathy; Charcot-Marie-Tooth Neuropathy. Identifiers: Orphanet 166, MedGen C0007959, MONDO:0015626.

Allele frequency attached by ClinVar (database versions not stated): gnomAD exomes below 0.00001; TOPMed 0.00001.
gnomAD v4.1: 1 of 1,611,290 alleles (0.000062%); highest among the groups gnomAD compares: Non-Finnish European, 0.000085%; no homozygotes.

Submissions (2):

Labcorp Genetics (formerly Invitae), Labcorp
Classification: Likely pathogenic for Charcot-Marie-Tooth disease axonal type 2P. Last evaluated: 2024-04-10. Review status: criteria provided, single submitter. Criteria: Invitae Variant Classification Sherloc (09022015). Collection method: clinical testing. Allele origin: germline.
Comment: This sequence change affects an acceptor splice site in intron 12 of the LRSAM1 gene. It is expected to disrupt RNA splicing. Variants that disrupt the donor or acceptor splice site typically lead to a loss of protein function (PMID: 16199547), and loss-of-function variants in LRSAM1 are known to be pathogenic (PMID: 20865121, 33414056). This variant is not present in population databases (gnomAD no frequency). This variant has not been reported in the literature in individuals affected with LRSAM1-related conditions. ClinVar contains an entry for this variant (Variation ID: 917120). Algorithms developed to predict the effect of sequence changes on RNA splicing suggest that this variant may disrupt the consensus splice site. In summary, the currently available evidence indicates that the variant is pathogenic, but additional data are needed to prove that conclusively. Therefore, this variant has been classified as Likely Pathogenic.

Molecular Genetics Laboratory, London Health Sciences Centre
Classification: Likely pathogenic for Charcot-Marie-Tooth disease. Review status: criteria provided, single submitter. Criteria: ACMG Guidelines, 2015. Collection method: clinical testing. Allele origin: germline. Affected: yes.

Literature cited by the submitters: PubMed 16199547 (cited by Labcorp Genetics (formerly Invitae), Labcorp); PubMed 20865121 (cited by Labcorp Genetics (formerly Invitae), Labcorp); PubMed 33414056 (cited by Labcorp Genetics (formerly Invitae), Labcorp).